The following is an entry in ClinVar:

ClinVar aggregate classification (germline): Uncertain significance (1 of 4 stars; one submission).

Conditions:
Autosomal recessive spinocerebellar ataxia 10. Identifiers: Orphanet 284289, MedGen C3150998, MONDO:0013392, OMIM 613728.

gnomAD v4.1: 1 of 1,613,900 alleles (0.000062%); highest among the groups gnomAD compares: Non-Finnish European, 0.000085%; no homozygotes.

Submission:

Kariminejad - Najmabadi Pathology & Genetics Center
Classification: Uncertain significance for Autosomal recessive spinocerebellar ataxia 10. Last evaluated: 2022-11-29. Review status: criteria provided, single submitter. Criteria: ACMG Guidelines, 2015. Collection method: clinical testing. Allele origin: germline. Inheritance: Autosomal recessive inheritance. Affected: yes.
Comment: PM2, PP3

NM_018075.5(ANO10):c.1162G>A (p.Glu388Lys)

Gene: ANO10 (anoctamin 10; minus strand). Cytogenetic location: 3p22.1.
Variant type: single nucleotide variant.
Coding change: c.1162G>A on transcript NM_018075.5 (MANE Select); coding-DNA position 1162, G replaced by A.
Protein change: p.Glu388Lys; replaces glutamic acid 388 with lysine.
Molecular consequence: missense variant. On other transcripts: intron variant (1).
Genome position (GRCh38, 1-based): chr3:43,576,692, C>T on the plus strand (G>A on the coding strand, the complement: ANO10 is on the minus strand). VCF-style: chr3-43576692-C-T. GRCh37 (hg19) VCF-style: chr3-43618184-C-T.
Other names: c.1162G>A, p.Glu388Lys (NM_001204831.3, NM_001346463.2, NM_001346464.2 and 3 more transcripts); c.964G>A, p.Glu322Lys (NM_001204832.3, NM_001346466.2, NM_001346469.2); c.829G>A, p.Glu277Lys (NM_001204833.3); c.593-1828G>A (NM_001204834.3); short protein forms E277K, E322K, E388K.
Identifiers: ClinVar variation 3896777 (VCV003896777.1).